The following is an entry in ClinVar:

NM_001005373.4(LRSAM1):c.431A>C (p.Asp144Ala)

Gene: LRSAM1 (leucine rich repeat and sterile alpha motif containing 1; plus strand). Cytogenetic location: 9q33.3.
Variant type: single nucleotide variant.
Coding change: c.431A>C on transcript NM_001005373.4 (MANE Select); coding-DNA position 431, A replaced by C.
Protein change: p.Asp144Ala; replaces aspartic acid 144 with alanine.
Molecular consequence: missense variant. On other transcripts: 5 prime UTR variant (1), non-coding transcript variant (2).
Genome position (GRCh38, 1-based): chr9:127,462,276, A>C. VCF-style: chr9-127462276-A-C. GRCh37 (hg19) VCF-style: chr9-130224555-A-C.
Other names: c.431A>C, p.Asp144Ala (NM_001005374.4, NM_001190723.3, NM_001384142.1 and 2 more transcripts); c.-354A>C (NM_001384144.1); short protein forms D144A.
Identifiers: ClinVar variation 2841243 (VCV002841243.3), dbSNP rs2539328400, ClinGen allele CA374927793.
Genomic context (GRCh38, chr9:127,462,276, plus strand): 5'-TTGGGGTGTTGAGCTGTGCTATTGGGGTCTCTGCAGACAACAAGCTGAAGGAGCTTCCAG[A>C]CACCGTGGGGGAGCTTCGAAGCCTGCGTACCCTCAACATCAGTGGAAACGAGATCCAGAG-3'
Protein context (NP_001005373.1, residues 134-154): VKDNKLKELP[Asp144Ala]TVGELRSLRT

ClinVar aggregate classification (germline): Uncertain significance (1 of 4 stars; one submission).

Conditions:
Charcot-Marie-Tooth disease axonal type 2P. Also called: CHARCOT-MARIE-TOOTH NEUROPATHY, TYPE 2P; Charcot-Marie-Tooth Neuropathy Type 2G; CHARCOT-MARIE-TOOTH DISEASE, AXONAL, TYPE 2G; CMT 2G. Identifiers: Orphanet 300319, Orphanet 99941, MedGen C3280797, MONDO:0013753, OMIM 614436.

Submission:

Labcorp Genetics (formerly Invitae), Labcorp
Classification: Uncertain significance for Charcot-Marie-Tooth disease axonal type 2P. Last evaluated: 2023-02-27. Review status: criteria provided, single submitter. Criteria: Invitae Variant Classification Sherloc (09022015). Collection method: clinical testing. Allele origin: germline.
Comment: This variant has not been reported in the literature in individuals affected with LRSAM1-related conditions. This variant is not present in population databases (gnomAD no frequency). This sequence change replaces aspartic acid, which is acidic and polar, with alanine, which is neutral and non-polar, at codon 144 of the LRSAM1 protein (p.Asp144Ala). Advanced modeling of protein sequence and biophysical properties (such as structural, functional, and spatial information, amino acid conservation, physicochemical variation, residue mobility, and thermodynamic stability) performed at Invitae indicates that this missense variant is not expected to disrupt LRSAM1 protein function. In summary, the available evidence is currently insufficient to determine the role of this variant in disease. Therefore, it has been classified as a Variant of Uncertain Significance.